The following is an entry in ClinVar:

ClinVar aggregate classification (germline): Likely benign (1 of 4 stars; one submission).

Conditions:
ADCY5-related disorder. Also called: ADCY5-related condition.

gnomAD v4.1: 3 of 1,613,102 alleles (0.00019%); highest among the groups gnomAD compares: South Asian, 0.0033%; no homozygotes.

Submission:

PreventionGenetics, part of Exact Sciences
Classification: Likely benign for ADCY5-related condition. Last evaluated: 2025-06-17. Review status: criteria provided, single submitter. Criteria: ACMG Guidelines, 2015. Collection method: clinical testing. Allele origin: germline.
Comment: This variant is classified as likely benign based on ACMG/AMP sequence variant interpretation guidelines (Richards et al. 2015 PMID: 25741868, with internal and published modifications).

NM_183357.3(ADCY5):c.3532+7G>T

Gene: ADCY5 (adenylate cyclase 5; minus strand). Cytogenetic location: 3q21.1.
Variant type: single nucleotide variant.
Coding change: c.3532+7G>T on transcript NM_183357.3 (MANE Select); 7 bases into the intron after coding-DNA position 3532, G replaced by T.
Molecular consequence: intron variant.
Genome position (GRCh38, 1-based): chr3:123,289,743, C>A on the plus strand (G>T on the coding strand, the complement: ADCY5 is on the minus strand). VCF-style: chr3-123289743-C-A. GRCh37 (hg19) VCF-style: chr3-123008590-C-A.
Other names: c.3607+7G>T (NM_001378259.1); c.2482+7G>T (NM_001199642.1).
Identifiers: ClinVar variation 4999969 (VCV004999969.1).